The following is an entry in ClinVar:

ClinVar aggregate classification (germline): Benign/Likely benign. Review status: criteria provided, multiple submitters, no conflicts (2 of 4 stars). 3 submissions from 3 submitters: Benign (1); Likely benign (1). 1 of the submissions does not count toward it. Last evaluated 2026-04-20.

Conditions:
OAS1-related disorder. Also called: OAS1-related condition.

Allele frequency attached by ClinVar (database versions not stated): 1000 Genomes Project 30x 0.00250; TOPMed 0.00254; 1000 Genomes Project 0.00260; ESP Exome Variant Server 0.00261; gnomAD exomes 0.00023 and 0.00054; ExAC 0.00070; gnomAD 0.00238 and 0.00245.
gnomAD v4.1: 742 of 1,613,914 alleles (0.046%); highest among the groups gnomAD compares: African/African-American, 0.82%; 4 homozygotes.

Submissions (3):

Women's Health and Genetics/Laboratory Corporation of America, LabCorp
Classification: Likely benign. Last evaluated: 2026-04-20. Review status: criteria provided, single submitter. Criteria: LabCorp Variant Classification Summary - May 2015. Collection method: clinical testing. Allele origin: germline.

Labcorp Genetics (formerly Invitae), Labcorp
Classification: Benign. Last evaluated: 2026-01-25. Review status: criteria provided, single submitter. Criteria: Invitae Variant Classification Sherloc (09022015). Collection method: clinical testing. Allele origin: germline.

PreventionGenetics, part of Exact Sciences
Classification: Likely benign for OAS1-related condition. Last evaluated: 2024-02-05. Review status: no assertion criteria provided. Collection method: clinical testing. Allele origin: germline. Not counted in ClinVar's aggregate classification.
Comment: This variant is classified as likely benign based on ACMG/AMP sequence variant interpretation guidelines (Richards et al. 2015 PMID: 25741868, with internal and published modifications).

NM_016816.4(OAS1):c.1061A>G (p.Asp354Gly)

Gene: OAS1 (2'-5'-oligoadenylate synthetase 1; plus strand). Cytogenetic location: 12q24.13.
Variant type: single nucleotide variant.
Coding change: c.1061A>G on transcript NM_016816.4 (MANE Select); coding-DNA position 1061, A replaced by G.
Protein change: p.Asp354Gly; replaces aspartic acid 354 with glycine.
Molecular consequence: missense variant. On other transcripts: intron variant (2).
Genome position (GRCh38, 1-based): chr12:112,919,411, A>G. VCF-style: chr12-112919411-A-G. GRCh37 (hg19) VCF-style: chr12-113357216-A-G.
Other names: c.1061A>G (NM_016816.3); c.1038+1711A>G (NM_001320151.2); c.1039-76A>G (NM_001032409.3); short protein forms D354G.
Identifiers: ClinVar variation 1165531 (VCV001165531.12), dbSNP rs35919998, ClinGen allele CA6800000.